The following is an entry in ClinVar:

NC_000021.8:g.(?_47690295)_(47705200_?)del

Gene: MCM3AP (minichromosome maintenance complex component 3 associated protein; minus strand). Cytogenetic location: 21q22.3.
Variant type: Deletion.
Identifiers: ClinVar variation 3248183 (VCV003248183.1).

ClinVar aggregate classification (germline): Pathogenic (1 of 4 stars; one submission).

Submission:

Labcorp Genetics (formerly Invitae), Labcorp
Classification: Pathogenic. Last evaluated: 2023-03-09. Review status: criteria provided, single submitter. Criteria: Invitae Variant Classification Sherloc (09022015). Collection method: clinical testing. Allele origin: unknown.
Comment: For these reasons, this variant has been classified as Pathogenic. This variant has not been reported in the literature in individuals affected with MCM3AP-related conditions. This variant is a gross deletion of the genomic region encompassing exon(s) 1-9 of the MCM3AP gene, which includes the initiator codon. This deletion extends beyond the assayed region for this gene and therefore may encompass additional genes. It is expected to result in an absent or disrupted protein product. Loss-of-function variants in MCM3AP are known to be pathogenic (PMID: 28633435).

Literature cited by the submitters: PubMed 28633435.